The following is an entry in ClinVar:

NM_000154.2(GALK1):c.710del (p.Pro237fs)

Gene: GALK1 (galactokinase 1; minus strand). Cytogenetic location: 17q25.1.
Variant type: Deletion.
Coding change: c.710del on transcript NM_000154.2 (MANE Select); coding-DNA position 710, one base deleted (C; older notation c.710delC).
Protein change: p.Pro237fs; shifts the reading frame from proline 237.
Molecular consequence: frameshift variant.
Genome position (GRCh38, 1-based): chr17:75,762,787, G deleted on the plus strand (C on the coding strand, the reverse complement: GALK1 is on the minus strand); the first of 3 consecutive G bases (chr17:75,762,787-75,762,789); deleting any one gives the same sequence. VCF-style (leftmost placement, unchanged base first): chr17-75762786-AG-A. GRCh37 (hg19) VCF-style: chr17-73758867-AG-A.
Other names: c.710del, p.Pro237fs (NM_001381985.1); short protein forms P237fs.
Identifiers: ClinVar variation 956572 (VCV000956572.9), dbSNP rs773559496, ClinGen allele CA8770852.
Genomic context (GRCh38, chr17:75,762,786, plus strand): 5'-CTCCCGGAGGCTTTCCTTGCCCAGCGCCCGGGCCACTTCTTCACATTGGCGCCGCCGCAC[AG>A]GGTACTCGCTGGAGGCCAGGGAGTGGCGGACATTAGAGTTGGTGATGAGCACGGCCAGCT-3'

ClinVar aggregate classification (germline): Pathogenic/Likely pathogenic. Review status: criteria provided, multiple submitters, no conflicts (2 of 4 stars). 2 submissions from 2 submitters: Pathogenic (1); Likely pathogenic (1). Last evaluated 2025-11-13.

Conditions:
Deficiency of galactokinase. Also called: GALACTOSEMIA II; Galactokinase deficiency with cataracts. Identifiers: Orphanet 352, Orphanet 79237, MedGen C0268155, MONDO:0009255, OMIM 230200.

Submissions (2):

Labcorp Genetics (formerly Invitae), Labcorp
Classification: Pathogenic for Deficiency of galactokinase. Last evaluated: 2025-11-13. Review status: criteria provided, single submitter. Criteria: Invitae Variant Classification Sherloc (09022015). Collection method: clinical testing. Allele origin: germline.
Comment: This sequence change creates a premature translational stop signal (p.Pro237Leufs*27) in the GALK1 gene. It is expected to result in an absent or disrupted protein product. Loss-of-function variants in GALK1 are known to be pathogenic (PMID: 7670469, 10790206). This variant is present in population databases (rs773559496, gnomAD 0.0009%). This variant has not been reported in the literature in individuals affected with GALK1-related conditions. ClinVar contains an entry for this variant (Variation ID: 956572). For these reasons, this variant has been classified as Pathogenic.

Fulgent Genetics
Classification: Likely pathogenic for Deficiency of galactokinase. Last evaluated: 2024-05-13. Review status: criteria provided, single submitter. Criteria: ACMG Guidelines, 2015. Collection method: clinical testing. Allele origin: germline.

Literature cited by the submitters: PubMed 7670469 (cited by Labcorp Genetics (formerly Invitae), Labcorp); PubMed 10790206 (cited by Labcorp Genetics (formerly Invitae), Labcorp).